The following is an entry in ClinVar:

ClinVar aggregate classification (germline): Pathogenic. Review status: criteria provided, multiple submitters, no conflicts (2 of 4 stars). 2 submissions from 2 submitters: Pathogenic (2). Last evaluated 2024-05-21.

Conditions:
Intellectual developmental disorder with dysmorphic facies and ptosis (IDDDFP). Identifiers: Orphanet 698090, MedGen C4310617, MONDO:0015022, OMIM 617333.

Submissions (2):

Fulgent Genetics
Classification: Pathogenic for Intellectual developmental disorder with dysmorphic facies and ptosis. Last evaluated: 2024-05-21. Review status: criteria provided, single submitter. Criteria: ACMG Guidelines, 2015. Collection method: clinical testing. Allele origin: germline.

GeneDx
Classification: Pathogenic. Last evaluated: 2022-09-01. Review status: criteria provided, single submitter. Criteria: GeneDx Variant Classification Process June 2021. Collection method: clinical testing. Allele origin: germline. Affected: yes.
Comment: Has not been previously published as pathogenic or benign to our knowledge; Not observed at significant frequency in large population cohorts (gnomAD); Frameshift variant predicted to result in protein truncation or nonsense mediated decay in a gene for which loss-of-function is a known mechanism of disease

NM_001003694.2(BRPF1):c.2420_2433del (p.Gln807fs)

Gene: BRPF1 (bromodomain and PHD finger containing 1; plus strand). Cytogenetic location: 3p25.3.
Variant type: Deletion.
Coding change: c.2420_2433del on transcript NM_001003694.2 (MANE Select); coding-DNA positions 2420 to 2433, 14 bases deleted (AGAGTGTGGGCCGC).
Protein change: p.Gln807fs; shifts the reading frame from glutamine 807.
Molecular consequence: frameshift variant. On other transcripts: non-coding transcript variant (1).
Genome position (GRCh38, 1-based): chr3:9,743,686-9,743,699, AGAGTGTGGGCCGC deleted; deleting any 14 consecutive bases within chr3:9,743,684-9,743,699 gives the same sequence; the c. name uses the placement nearest the transcript's 3' end. VCF-style (leftmost placement, unchanged base first): chr3-9743683-AGCAGAGTGTGGGCC-A. GRCh37 (hg19) VCF-style: chr3-9785367-AGCAGAGTGTGGGCC-A.
Other names: c.2402_2415del, p.Gln801fs (NM_001319049.2, NM_004634.3); c.2399_2412del, p.Gln800fs (NM_001319050.2); short protein forms Q800fs, Q801fs, Q807fs.
Identifiers: ClinVar variation 1703728 (VCV001703728.2), dbSNP rs2471501529, ClinGen allele CA2580070611.
Genomic context (GRCh38, chr3:9,743,683, plus strand): 5'-TGCCAGTGGAAGAACAGCTAAAGCTGCTTCTGGAGCGGCTGGACGAAGTGAATGCCAGCA[AGCAGAGTGTGGGCC>A]GCTCACGGCGTGCAAAGATGATCAAGAAAGAGATGACGGCACTGCGGCGGAAGCTTGCCC-3'